The following is an entry in ClinVar:

ClinVar aggregate classification (germline): Uncertain significance. Review status: criteria provided, multiple submitters, no conflicts (2 of 4 stars). 3 submissions from 3 submitters: Uncertain significance (3). Last evaluated 2025-09-02.

Conditions:
Inborn genetic diseases. Identifiers: MedGen C0950123, MeSH D030342.
Spastic paraplegia. Identifiers: MedGen C0037772, HP:0001258.

Allele frequency attached by ClinVar (database versions not stated): ExAC 0.00002; gnomAD exomes 0.00002; gnomAD 0.00010.
gnomAD v4.1: 36 of 1,569,242 alleles (0.0023%); highest among the groups gnomAD compares: Middle Eastern, 0.034%; no homozygotes.

Submissions (3):

Athena Diagnostics
Classification: Uncertain significance. Last evaluated: 2025-09-02. Review status: criteria provided, single submitter. Criteria: Athena Diagnostics Criteria. Collection method: clinical testing. Allele origin: unknown.
Comment: Available data are insufficient to determine the clinical significance of the variant at this time. The frequency of this variant in the general population is uninformative in assessment of its pathogenicity. Polyphen and MutationTaster predict this amino acid change may be benign.

Ambry Genetics
Classification: Uncertain significance for Inborn genetic diseases. Last evaluated: 2024-09-20. Review status: criteria provided, single submitter. Criteria: Ambry Variant Classification Scheme 2023. Collection method: clinical testing. Allele origin: germline.

Labcorp Genetics (formerly Invitae), Labcorp
Classification: Uncertain significance for Spastic paraplegia. Last evaluated: 2022-05-04. Review status: criteria provided, single submitter. Criteria: Invitae Variant Classification Sherloc (09022015). Collection method: clinical testing. Allele origin: germline.
Comment: This sequence change replaces alanine, which is neutral and non-polar, with threonine, which is neutral and polar, at codon 1017 of the ZFYVE26 protein (p.Ala1017Thr). This variant is present in population databases (rs759350439, gnomAD 0.009%). This variant has not been reported in the literature in individuals affected with ZFYVE26-related conditions. Algorithms developed to predict the effect of missense changes on protein structure and function output the following: SIFT: "Tolerated"; PolyPhen-2: "Benign"; Align-GVGD: "Class C0". The threonine amino acid residue is found in multiple mammalian species, which suggests that this missense change does not adversely affect protein function. In summary, the available evidence is currently insufficient to determine the role of this variant in disease. Therefore, it has been classified as a Variant of Uncertain Significance.

NM_015346.4(ZFYVE26):c.3049G>A (p.Ala1017Thr)

Gene: ZFYVE26 (zinc finger FYVE-type containing 26; minus strand). Cytogenetic location: 14q24.1.
Variant type: single nucleotide variant.
Coding change: c.3049G>A on transcript NM_015346.4 (MANE Select); coding-DNA position 3049, G replaced by A.
Protein change: p.Ala1017Thr; replaces alanine 1017 with threonine.
Molecular consequence: missense variant.
Genome position (GRCh38, 1-based): chr14:67,786,204, C>T on the plus strand (G>A on the coding strand, the complement: ZFYVE26 is on the minus strand). VCF-style: chr14-67786204-C-T. GRCh37 (hg19) VCF-style: chr14-68252921-C-T.
Other names: short protein forms A1017T.
Identifiers: ClinVar variation 1901880 (VCV001901880.5), dbSNP rs759350439, ClinGen allele CA7240085.